The following is an entry in ClinVar:

ClinVar aggregate classification (germline): Likely pathogenic. Review status: reviewed by expert panel (3 of 4 stars). 4 submissions from 4 submitters: Likely pathogenic (1). 3 of the submissions do not count toward it. Last evaluated 2026-07-16.

Conditions:
Mucopolysaccharidosis type 1. Also called: IDUA deficiency; MPS I; Mucopolysaccharidosis Type I. Identifiers: Orphanet 579, MedGen C0023786, MONDO:0001586.

Allele frequency attached by ClinVar (database versions not stated): TOPMed below 0.00001; gnomAD exomes below 0.00001.
gnomAD v4.1: 5 of 1,397,822 alleles (0.00036%); highest among the groups gnomAD compares: Non-Finnish European, 0.00047%; no homozygotes.

Submissions (4):

ClinGen Lysosomal Storage Disorder Variant Curation Expert Panel
Classification: Likely pathogenic for Mucopolysaccharidosis type 1. Last evaluated: 2026-07-16. Review status: reviewed by expert panel. Criteria: ClinGen LSD ACMG Specifications IDUA V1.2.0. Collection method: curation. Allele origin: germline. Inheritance: Autosomal recessive inheritance.
Comment: The NM_000203.5:c.1513C>G variant in IDUA is a missense variant predicted to cause substitution of Arginine by Glycine at amino acid 505 (p.Arg505Gly). This variant has been reported in at least 4 individuals with MPS I (PMID: 35141277, 23838764, 31194252): Three are compound heterozygous for this variant and a second variant that has been classified as pathogenic by ClinGen Lysosomal Diseases VCEP including c.208C>T p.(Gln70Ter) (PMID 3514277, phase unconfirmed, 0.5 points), c.1205G>A p.Trp402Ter (PMIDs 23837464, 31194252, at least one patient, phase unconfirmed, 0.5 points). One patient carried this variant and a second variant that has been classified as a variant of uncertain significance by ClinGen Lysosomal Diseases VCEP, c.456G>A p.(Trp152Ter) (PMID 31194252; 0 points) (1 point; PM3). The patient with this variant present in the compound heterozygous state with c.208C>T p.(Gln70Ter) has been reported with a clinical diagnosis of Hurler syndrome, presenting with reduced IDUA enzyme activity in leukocytes (0.01 umol/h/L) and increased excretion of urinary dermatan sulfate and heparan sulfate (PMID: 35141277) (PP4_supporting). The highest population minor allele frequency in gnomAD v4.1.0 is 0.000004653 (5/1074596 alleles) in the non-Finnish european population, which is lower than the ClinGen Lysosomal Diseases VCEP’s threshold for PM2_Supporting (<0.00025), meeting this criterion (PM2_Supporting). The computational predictor REVEL gives a score of 0.82 which is above the threshold of 0.773, evidence that correlates with impact to IDUA function at the moderate level based on the specifications of the ClinGen Lysosomal Diseases VCEP (PMID: 36413997) (PP3_Moderate). There is a ClinVar entry for this variant (Variation ID: 1482722). In summary, this variant meets the criteria to be classified as likely pathogenic for MPS I based on the ACMG/AMP criteria applied, as specified by the ClinGen Lysosomal Diseases Variant Curation Expert Panel (Specifications Version 1.2.0): PP3_moderate, PM3, PP4_moderate, PM2_supporting (Classification approved by the ClinGen Lysosomal Diseases Variant Curation Expert Panel on July 16, 2026)

Myriad Genetics, Inc.
Classification: Uncertain significance for Mucopolysaccharidosis type 1. Last evaluated: 2026-07-14. Review status: criteria provided, single submitter. Criteria: Myriad Autosomal Dominant, Autosomal Recessive and X-Linked Classification Criteria (2023). Collection method: clinical testing. Allele origin: unknown. Not counted in ClinVar's aggregate classification.
Comment: NM_000203.3(IDUA):c.1513C>G(R505G) is a missense variant classified as a variant of uncertain significance in the context of mucopolysaccharidosis type I. R505G has been observed in cases with relevant disease (PMID: 23837464, 31194252, 35141277). Relevant functional assessments of this variant are not available in the literature. R505G has not been observed in referenced population frequency databases. In summary, there is insufficient evidence to classify NM_000203.3(IDUA):c.1513C>G(R505G) as pathogenic or benign. Please note: this variant was assessed in the context of healthy population screening.

Women's Health and Genetics/Laboratory Corporation of America, LabCorp
Classification: Likely pathogenic for Mucopolysaccharidosis type 1. Last evaluated: 2025-10-30. Review status: criteria provided, single submitter. Criteria: LabCorp Variant Classification Summary - May 2015. Collection method: clinical testing. Allele origin: germline. Not counted in ClinVar's aggregate classification.
Comment: Variant summary: IDUA c.1513C>G (p.Arg505Gly) results in a non-conservative amino acid change located in the glycosyl hydrolases family 39, N-terminal catalytic domain of the encoded protein sequence. Algorithms developed to predict the effect of missense changes on protein structure and function all suggest that this variant is likely to be disruptive. The frequency data for this variant in gnomAD is considered unreliable, as metrics indicate poor data quality at this position. c.1513C>G has been reported in the presumed compound heterozygous state in the literature in multiple individuals affected with Mucopolysaccharidosis Type 1 (e.g, Clarke_2019, Kingma_2013, Voskoboeva_2022). These data indicate that the variant may be associated with disease. To our knowledge, no experimental evidence demonstrating an impact on protein function has been reported. The following publications have been ascertained in the context of this evaluation (PMID: 31194252, 23837464, 35141277). ClinVar contains an entry for this variant (Variation ID: 1482722). Based on the evidence outlined above, the variant was classified as likely pathogenic.

Labcorp Genetics (formerly Invitae), Labcorp
Classification: Likely pathogenic for Mucopolysaccharidosis type 1. Last evaluated: 2021-03-08. Review status: criteria provided, single submitter. Criteria: Invitae Variant Classification Sherloc (09022015). Collection method: clinical testing. Allele origin: germline. Not counted in ClinVar's aggregate classification.
Comment: This sequence change replaces arginine with glycine at codon 505 of the IDUA protein (p.Arg505Gly). The arginine residue is highly conserved and there is a moderate physicochemical difference between arginine and glycine. The frequency data for this variant in the population databases is considered unreliable, as metrics indicate insufficient coverage at this position in the ExAC database. This variant has been observed in individual(s) with mucopolysaccharidosis type I (PMID: 23837464, 31194252). Advanced modeling of protein sequence and biophysical properties (such as structural, functional, and spatial information, amino acid conservation, physicochemical variation, residue mobility, and thermodynamic stability) performed at Invitae indicates that this missense variant is expected to disrupt IDUA protein function. In summary, the currently available evidence indicates that the variant is pathogenic, but additional data are needed to prove that conclusively. Therefore, this variant has been classified as Likely Pathogenic.

Literature cited by the submitters: PubMed 23837464 (cited by 3 submitters); PubMed 31194252 (cited by 3 submitters); PubMed 35141277 (cited by Myriad Genetics, Inc. and Women's Health and Genetics/Laboratory Corporation of America, LabCorp).

NM_000203.5(IDUA):c.1513C>G (p.Arg505Gly)

Gene: IDUA (alpha-L-iduronidase; plus strand). Cytogenetic location: 4p16.3.
Variant type: single nucleotide variant.
Coding change: c.1513C>G on transcript NM_000203.5 (MANE Select); coding-DNA position 1513, C replaced by G.
Protein change: p.Arg505Gly; replaces arginine 505 with glycine.
Molecular consequence: missense variant. On other transcripts: non-coding transcript variant (1).
Genome position (GRCh38, 1-based): chr4:1,003,146, C>G. VCF-style: chr4-1003146-C-G. GRCh37 (hg19) VCF-style: chr4-996934-C-G.
Other names: NM_000203.5(IDUA):c.1513C>G; p.Arg505Gly; c.1117C>G, p.Arg373Gly (NM_001363576.1); short protein forms R505G, R373G.
Identifiers: ClinVar variation 1482722 (VCV001482722.13), dbSNP rs1715218377, ClinGen allele CA355964784.
Genomic context (GRCh38, chr4:1,003,146, plus strand): 5'-GGCGAGTGGCGGCGCCTGGGCCGGCCCGTCTTCCCCACGGCAGAGCAGTTCCGGCGCATG[C>G]GCGCGGCTGAGGTAGGTGGGCCGCGGAGGGGCGAGGGGCCGGGCCGGGCCGGGGTCCCGG-3'
Protein context (NP_000194.2, residues 495-515): FPTAEQFRRM[Arg505Gly]AAEDPVAAAP